The following is an entry in ClinVar:

NM_001204.7(BMPR2):c.1129-2A>T

Gene: BMPR2 (bone morphogenetic protein receptor type 2; plus strand). Cytogenetic location: 2q33.2.
Variant type: single nucleotide variant.
Coding change: c.1129-2A>T on transcript NM_001204.7 (MANE Select); the canonical splice acceptor site of the intron before coding-DNA position 1129, A replaced by T.
Molecular consequence: splice acceptor variant.
Genome position (GRCh38, 1-based): chr2:202,532,583, A>T. VCF-style: chr2-202532583-A-T. GRCh37 (hg19) VCF-style: chr2-203397306-A-T.
Identifiers: ClinVar variation 2033116 (VCV002033116.4), dbSNP rs2468703700, ClinGen allele CA350341636.

ClinVar aggregate classification (germline): Likely pathogenic (1 of 4 stars; one submission).

Conditions:
Primary pulmonary hypertension. Also called: Idiopathic pulmonary hypertension. Identifiers: MedGen C0152171.

Submission:

Labcorp Genetics (formerly Invitae), Labcorp
Classification: Likely pathogenic for Primary pulmonary hypertension. Last evaluated: 2022-09-28. Review status: criteria provided, single submitter. Criteria: Invitae Variant Classification Sherloc (09022015). Collection method: clinical testing. Allele origin: germline.
Comment: This variant is not present in population databases (gnomAD no frequency). This sequence change affects an acceptor splice site in intron 8 of the BMPR2 gene. It is expected to disrupt RNA splicing. Variants that disrupt the donor or acceptor splice site typically lead to a loss of protein function (PMID: 16199547), and loss-of-function variants in BMPR2 are known to be pathogenic (PMID: 16429395). This variant has not been reported in the literature in individuals affected with BMPR2-related conditions. Algorithms developed to predict the effect of sequence changes on RNA splicing suggest that this variant may disrupt the consensus splice site. In summary, the currently available evidence indicates that the variant is pathogenic, but additional data are needed to prove that conclusively. Therefore, this variant has been classified as Likely Pathogenic.

Literature cited by the submitters: PubMed 16199547; PubMed 16429395.